The following is an entry in ClinVar:

ClinVar aggregate classification (germline): Conflicting classifications of pathogenicity. Review status: criteria provided, conflicting classifications (1 of 4 stars). 4 submissions from 4 submitters: Uncertain significance (3); Likely benign (1). Last evaluated 2026-02-03.

Conditions:
Cardiovascular phenotype. Identifiers: MedGen CN230736.
Hypercholesterolemia, autosomal dominant, type B (FHCL2). Also called: APOB-Related Familial Hypercholesterolemia, Autosomal Dominant; Familial Hypercholesterolemia Type B; APOLIPOPROTEIN B-100, FAMILIAL DEFECTIVE; APOLIPOPROTEIN B-100, FAMILIAL LIGAND-DEFECTIVE; HYPERCHOLESTEROLEMIA, FAMILIAL, DUE TO LIGAND-DEFECTIVE APOLIPOPROTEIN B; Hyperlipoproteinemia Type IIb. Identifiers: MedGen C1704417, MONDO:0007751, OMIM 144010.
Familial hypobetalipoproteinemia 1. Also called: Hypobetalipoproteinemia, normotriglyceridemic; Acanthocytosis with hypobetalipoproteinemia; APOB-Related Familial Hypobetalipoproteinemia. Identifiers: MedGen C4551990, MONDO:0014252, OMIM 615558.
Familial hypercholesterolemia. Also called: Familial hypercholesterolaemia; Familial hypercholesterolemias. Identifiers: MedGen C0020445, MONDO:0005439.

Allele frequency attached by ClinVar (database versions not stated): ExAC 0.00002; gnomAD exomes 0.00002; TOPMed 0.00002; gnomAD 0.00003; ESP Exome Variant Server 0.00008.
gnomAD v4.1: 28 of 1,614,156 alleles (0.0017%); highest among the groups gnomAD compares: Middle Eastern, 0.017%; no homozygotes.

Submissions (4):

Cambridge Genomics Laboratory, East Genomic Laboratory Hub, NHS Genomic Medicine Service
Classification: Uncertain significance for Familial hypercholesterolaemia. Last evaluated: 2026-02-03. Review status: criteria provided, single submitter. Criteria: ACGS Best Practice Guidelines for Variant Classification in Rare Disease 2020. Collection method: clinical testing. Allele origin: germline. Affected: yes.
Comment: PM2_Supporting,PP4

Ambry Genetics
Classification: Uncertain significance for Cardiovascular phenotype. Last evaluated: 2025-09-01. Review status: criteria provided, single submitter. Criteria: Ambry Variant Classification Scheme 2023. Collection method: clinical testing. Allele origin: germline.

GeneDx
Classification: Uncertain significance. Last evaluated: 2025-01-10. Review status: criteria provided, single submitter. Criteria: GeneDx Variant Classification Process June 2021. Collection method: clinical testing. Allele origin: germline. Affected: yes.
Comment: Not observed at significant frequency in large population cohorts (gnomAD); In silico analysis supports that this missense variant has a deleterious effect on protein structure/function; Has not been previously published as pathogenic or benign to our knowledge

Labcorp Genetics (formerly Invitae), Labcorp
Classification: Likely benign for Familial hypobetalipoproteinemia 1; Hypercholesterolemia, autosomal dominant, type B. Last evaluated: 2024-03-26. Review status: criteria provided, single submitter. Criteria: Invitae Variant Classification Sherloc (09022015). Collection method: clinical testing. Allele origin: germline.

NM_000384.3(APOB):c.3911G>T (p.Gly1304Val)

Gene: APOB (apolipoprotein B; minus strand). Cytogenetic location: 2p24.1.
Variant type: single nucleotide variant.
Coding change: c.3911G>T on transcript NM_000384.3 (MANE Select); coding-DNA position 3911, G replaced by T.
Protein change: p.Gly1304Val; replaces glycine 1304 with valine.
Molecular consequence: missense variant.
Genome position (GRCh38, 1-based): chr2:21,013,465, C>A on the plus strand (G>T on the coding strand, the complement: APOB is on the minus strand). VCF-style: chr2-21013465-C-A. GRCh37 (hg19) VCF-style: chr2-21236337-C-A.
Other names: c.3911G>T (NM_000384.2); short protein forms G1304V.
Identifiers: ClinVar variation 2925704 (VCV002925704.6), dbSNP rs142798172, ClinGen allele CA060210.
Genomic context (GRCh38, chr2:21,013,465, plus strand): 5'-TTGAAGTGGAGGGCTGGTGTCCTAACAGTCTCTAACATCTTTAGATCTCTGGAGGATTTG[C>A]CACCAAAAGGCAAAGGAATCTCAATTTTCAAACTGTTCTTGTTCAAGGTATATTTGACCC-3'
Protein context (NP_000375.3, residues 1294-1314): LKIEIPLPFG[Gly1304Val]KSSRDLKMLE